The following is an entry in ClinVar:

NM_022552.5(DNMT3A):c.1615_1617dup (p.Ile539_Cys540insIle)

Gene: DNMT3A (DNA methyltransferase 3 alpha; minus strand). Cytogenetic location: 2p23.3.
Variant type: Duplication.
Coding change: c.1615_1617dup on transcript NM_022552.5 (MANE Select); coding-DNA positions 1615 to 1617, 3 bases duplicated (ATC; older notation c.1615_1617dupATC).
Protein change: p.Ile539_Cys540insIle.
Molecular consequence: inframe insertion. On other transcripts: non-coding transcript variant (1).
Genome position (GRCh38, 1-based): chr2:25,244,590-25,244,592, GAT duplicated on the plus strand (ATC on the coding strand, the reverse complement: DNMT3A is on the minus strand); duplicating any 3 consecutive bases within chr2:25,244,590-25,244,593 gives the same sequence; the c. name uses the placement nearest the transcript's 3' end. VCF-style (leftmost placement, unchanged base first): chr2-25244589-A-AGAT. GRCh37 (hg19) VCF-style: chr2-25467458-A-AGAT.
Other names: c.1615_1617dupATC (NM_175629.2); c.1159_1161dup, p.Ile387_Cys388insIle (NM_001320893.1); c.946_948dup, p.Ile316_Cys317insIle (NM_001375819.1); c.1048_1050dup, p.Ile350_Cys351insIle (NM_153759.3); c.1615_1617dup, p.Ile539_Cys540insIle (NM_175629.2).
Identifiers: ClinVar variation 4991420 (VCV004991420.1).

ClinVar aggregate classification (germline): Uncertain significance (1 of 4 stars; one submission).

Conditions:
DNMT3A-related disorder. Also called: DNMT3A-related disorders; DNMT3A-related condition.

Submission:

PreventionGenetics, part of Exact Sciences
Classification: Uncertain significance for DNMT3A-related condition. Last evaluated: 2025-10-10. Review status: criteria provided, single submitter. Criteria: ACMG Guidelines, 2015. Collection method: clinical testing. Allele origin: germline.
Comment: The DNMT3A c.1615_1617dupATC variant is predicted to result in an in-frame duplication (p.Ile539dup). To our knowledge, this variant has not been reported in the literature or in a large population database (gnomAD), indicating this variant is rare. At this time, the clinical significance of this variant is uncertain due to the absence of conclusive functional and genetic evidence.